The following is an entry in ClinVar:

NM_015041.3(CLUAP1):c.235A>T (p.Ile79Leu)

Gene: CLUAP1 (clusterin associated protein 1; plus strand). Cytogenetic location: 16p13.3.
Variant type: single nucleotide variant.
Coding change: c.235A>T on transcript NM_015041.3 (MANE Select); coding-DNA position 235, A replaced by T.
Protein change: p.Ile79Leu; replaces isoleucine 79 with leucine.
Molecular consequence: missense variant.
Genome position (GRCh38, 1-based): chr16:3,508,304, A>T. VCF-style: chr16-3508304-A-T. GRCh37 (hg19) VCF-style: chr16-3558304-A-T.
Other names: c.235A>T, p.Ile79Leu (NM_001330454.2); short protein forms I79L.
Identifiers: ClinVar variation 1419014 (VCV001419014.6), dbSNP rs780924173, ClinGen allele CA7863660.

ClinVar aggregate classification (germline): Uncertain significance (1 of 4 stars; one submission).

Allele frequency attached by ClinVar (database versions not stated): TOPMed below 0.00001.

Submission:

Labcorp Genetics (formerly Invitae), Labcorp
Classification: Uncertain significance. Last evaluated: 2024-12-12. Review status: criteria provided, single submitter. Criteria: Invitae Variant Classification Sherloc (09022015). Collection method: clinical testing. Allele origin: germline.
Comment: This sequence change replaces isoleucine, which is neutral and non-polar, with leucine, which is neutral and non-polar, at codon 79 of the CLUAP1 protein (p.Ile79Leu). This variant is present in population databases (rs780924173, gnomAD 0.0009%). This variant has not been reported in the literature in individuals affected with CLUAP1-related conditions. ClinVar contains an entry for this variant (Variation ID: 1419014). Invitae Evidence Modeling of protein sequence and biophysical properties (such as structural, functional, and spatial information, amino acid conservation, physicochemical variation, residue mobility, and thermodynamic stability) indicates that this missense variant is not expected to disrupt CLUAP1 protein function with a negative predictive value of 80%. In summary, the available evidence is currently insufficient to determine the role of this variant in disease. Therefore, it has been classified as a Variant of Uncertain Significance.